The following is an entry in ClinVar:

ClinVar aggregate classification (germline): Conflicting classifications of pathogenicity. Review status: criteria provided, conflicting classifications (1 of 4 stars). 6 submissions from 6 submitters: Uncertain significance (3); Likely benign (1). 2 of the submissions do not count toward it. Last evaluated 2026-02-01.

Conditions:
Cutis laxa, X-linked (OHS). Also called: Occipital horn syndrome; EDS IX. Identifiers: Orphanet 198, MedGen C0268353, MONDO:0010572, OMIM 304150.
X-linked distal spinal muscular atrophy type 3. Also called: ATP7A-Related Distal Motor Neuropathy; NEURONOPATHY, DISTAL HEREDITARY MOTOR, X-LINKED; NEUROPATHY, DISTAL HEREDITARY MOTOR, X-LINKED; SPINAL MUSCULAR ATROPHY, DISTAL, X-LINKED RECESSIVE. Identifiers: Orphanet 139557, MedGen C1845359, MONDO:0010338, OMIM 300489.
Menkes kinky-hair syndrome (MNK). Also called: Menkes Disease; Classic Menkes Disease; Copper transport disease. Identifiers: Orphanet 565, MedGen C0022716, MONDO:0010651, OMIM 309400.
Inborn genetic diseases. Identifiers: MedGen C0950123, MeSH D030342.
Intellectual disability. Also called: Intellectual functioning disability; Intellectual developmental disorder; intellectual disabilities. Identifiers: MedGen C3714756, MeSH D008607, MONDO:0001071, HP:0001249.

Allele frequency attached by ClinVar (database versions not stated): gnomAD exomes 0.00002; TOPMed 0.00002; gnomAD 0.00003 and 0.00004.
gnomAD v4.1: 26 of 1,208,294 alleles (0.0022%); highest among the groups gnomAD compares: East Asian, 0.003%; no homozygotes.

Submissions (6):

Labcorp Genetics (formerly Invitae), Labcorp
Classification: Uncertain significance for X-linked distal spinal muscular atrophy type 3; Cutis laxa, X-linked; Menkes kinky-hair syndrome. Last evaluated: 2026-02-01. Review status: criteria provided, single submitter. Criteria: Invitae Variant Classification Sherloc (09022015). Collection method: clinical testing. Allele origin: germline.
Comment: This sequence change replaces asparagine, which is neutral and polar, with serine, which is neutral and polar, at codon 1358 of the ATP7A protein (p.Asn1358Ser). This variant is not present in population databases (gnomAD no frequency). This variant has not been reported in the literature in individuals affected with ATP7A-related conditions. ClinVar contains an entry for this variant (Variation ID: 966789). Invitae Evidence Modeling of protein sequence and biophysical properties (such as structural, functional, and spatial information, amino acid conservation, physicochemical variation, residue mobility, and thermodynamic stability) indicates that this missense variant is expected to disrupt ATP7A protein function with a positive predictive value of 95%. In summary, the available evidence is currently insufficient to determine the role of this variant in disease. Therefore, it has been classified as a Variant of Uncertain Significance.

Laboratory of Medical Genetics, National & Kapodistrian University of Athens
Classification: Likely benign for Menkes kinky-hair syndrome. Last evaluated: 2022-01-17. Review status: criteria provided, single submitter. Criteria: ACMG Guidelines, 2015. Collection method: clinical testing. Allele origin: paternal. Affected: yes.
Comment: BS2, PM2, PP3

Blueprint Genetics
Classification: Uncertain significance. Last evaluated: 2021-12-01. Review status: criteria provided, single submitter. Criteria: ACMG Guidelines, 2015. Collection method: clinical testing. Allele origin: germline.

Ambry Genetics
Classification: Uncertain significance for Inborn genetic diseases. Last evaluated: 2020-02-20. Review status: criteria provided, single submitter. Criteria: Ambry Variant Classification Scheme 2023. Collection method: clinical testing. Allele origin: germline.
Comment: The p.N1358S variant (also known as c.4073A>G), located in coding exon 20 of the ATP7A gene, results from an A to G substitution at nucleotide position 4073. The asparagine at codon 1358 is replaced by serine, an amino acid with highly similar properties. This amino acid position is highly conserved in available vertebrate species. In addition, this alteration is predicted to be deleterious by in silico analysis. Since supporting evidence is limited at this time, the clinical significance of this alteration remains unclear.

Natera, Inc.
Classification: Uncertain significance for Menkes kinky hair syndrome. Last evaluated: 2020-08-07. Review status: no assertion criteria provided. Collection method: clinical testing. Allele origin: germline. Not counted in ClinVar's aggregate classification.

Centre de Biologie Pathologie Génétique, Centre Hospitalier Universitaire de Lille
Classification: Likely benign for Intellectual disability. Last evaluated: 2019-01-01. Review status: no assertion criteria provided. Collection method: clinical testing. Allele origin: inherited. Affected: yes. Not counted in ClinVar's aggregate classification.

NM_000052.7(ATP7A):c.4073A>G (p.Asn1358Ser)

Gene: ATP7A (ATPase copper transporting alpha; plus strand). Cytogenetic location: Xq21.1.
Variant type: single nucleotide variant.
Coding change: c.4073A>G on transcript NM_000052.7 (MANE Select); coding-DNA position 4073, A replaced by G.
Protein change: p.Asn1358Ser; replaces asparagine 1358 with serine.
Molecular consequence: missense variant. On other transcripts: non-coding transcript variant (1).
Genome position (GRCh38, 1-based): chrX:78,043,384, A>G. VCF-style: chrX-78043384-A-G. GRCh37 (hg19) VCF-style: chrX-77298882-A-G.
Other names: c.4073A>G (NM_000052.4); c.3839A>G, p.Asn1280Ser (NM_001282224.2); short protein forms N1358S, N1280S.
Identifiers: ClinVar variation 966789 (VCV000966789.13), dbSNP rs1423719687, ClinGen allele CA413605607.
Genomic context (GRCh38, chrX:78,043,384, plus strand): 5'-TTCTGGATGTAGTGGCAAGTATTGACTTATCAAGAAAGACAGTCAAGAGGATTCGGATAA[A>G]TTTTGTCTTTGCTCTAATTTATAATCTGGTTGGAATTCCCATAGCTGCTGGTATGTGACT-3'
Protein context (NP_000043.4, residues 1348-1368): SRKTVKRIRI[Asn1358Ser]FVFALIYNLV